The following is an entry in ClinVar:

NM_001267550.2(TTN):c.45508del (p.Asp15170fs)

Genes: TTN (titin; minus strand), LOC126806427 (BRD4-independent group 4 enhancer GRCh37_chr2:179485777-179486976; plus strand). Cytogenetic location: 2q31.2.
Variant type: Deletion.
Coding change: c.45508del on transcript NM_001267550.2 (MANE Select); coding-DNA position 45508, one base deleted (G; older notation c.45508delG).
Protein change: p.Asp15170fs; shifts the reading frame from aspartic acid 15170.
Molecular consequence: frameshift variant.
Genome position (GRCh38, 1-based): chr2:178,621,210, C deleted on the plus strand (G on the coding strand, the reverse complement: TTN is on the minus strand). VCF-style (leftmost placement, unchanged base first): chr2-178621209-TC-T. GRCh37 (hg19) VCF-style: chr2-179485936-TC-T.
Other names: c.40585del, p.Asp13529fs (NM_001256850.1); c.18313del, p.Asp6105fs (NM_003319.4); c.37804del, p.Asp12602fs (NM_133378.4); c.18688del, p.Asp6230fs (NM_133432.3); c.18889del, p.Asp6297fs (NM_133437.4); c.18313delG (NM_003319.4); short protein forms D12602fs, D6297fs, D13529fs, D15170fs, D6105fs, D6230fs.
Identifiers: ClinVar variation 4615372 (VCV004615372.1).
Genomic context (GRCh38, chr2:178,621,209, plus strand): 5'-ACGTAAGTGCCCATATCTTGTAATGTGGCATCTTTCACAACTAGGACCCTCTTTTTACCA[TC>T]AGCAATAACGTCATATTTATCTCCAGATTCAAGTGTCTTATCATCCCTCTTCCACTGGAC-3'

ClinVar aggregate classification (germline): Likely pathogenic (1 of 4 stars; one submission).

Conditions:
Cardiovascular phenotype. Identifiers: MedGen CN230736.

Submission:

Ambry Genetics
Classification: Likely pathogenic for Cardiovascular phenotype. Last evaluated: 2025-12-05. Review status: criteria provided, single submitter. Criteria: Ambry Variant Classification Scheme 2023. Collection method: clinical testing. Allele origin: germline.
Comment: The c.18313delG variant, located in coding exon 73 of the TTN gene, results from a deletion of one nucleotide at nucleotide position 18313, causing a translational frameshift with a predicted alternate stop codon (p.D6105Mfs*7). This exon is located in the I-band region of the N2-B isoform of the titin protein and is constitutively expressed in TTN transcripts (percent spliced in or PSI 100%). This variant is considered to be rare based on population cohorts in the Genome Aggregation Database (gnomAD). This variant is expected to result in loss of function by premature protein truncation or nonsense-mediated mRNA decay. While truncating variants in TTN are present in 1-3% of the general population, truncating variants in the A-band are the most common cause of dilated cardiomyopathy (Herman DS et al. N. Engl. J. Med., 2012 Feb;366:619-28; Roberts AM et al. Sci Transl Med, 2015 Jan;7:270ra6). TTN truncating variants encoded in constitutive exons (PSI >90%) have been found to be significantly associated with DCM regardless of their position in titin (Schafer S et al. Nat. Genet., 2017 01;49:46-53; Akhtar MM et al. Circ Heart Fail, 2020 Oct;13:e006832; Massier M et al. Clin Genet, 2025 Jan). Based on the majority of available evidence to date, this variant is likely to be pathogenic.